The following is an entry in ClinVar:

NM_005562.3(LAMC2):c.2602-1G>A

Gene: LAMC2 (laminin subunit gamma 2; plus strand). Cytogenetic location: 1q25.3.
Variant type: single nucleotide variant.
Coding change: c.2602-1G>A on transcript NM_005562.3 (MANE Select); the canonical splice acceptor site of the intron before coding-DNA position 2602, G replaced by A.
Molecular consequence: splice acceptor variant.
Genome position (GRCh38, 1-based): chr1:183,237,351, G>A. VCF-style: chr1-183237351-G-A. GRCh37 (hg19) VCF-style: chr1-183206486-G-A.
Other names: c.2602-1G>A (NM_018891.3).
Identifiers: ClinVar variation 1469775 (VCV001469775.7), dbSNP rs1553267499, ClinGen allele CA343697900.
Genomic context (GRCh38, chr1:183,237,351, plus strand): 5'-CAAGGCTGGTGTGGTAACTGGTAAGCAGAAGTCAGACTCCCTGGTTTCTTTGGGCTCATA[G>A]GTGGAAGAAGCAAAGAGGATCAAACAAAAAGCGGATTCACTCTCAAGCCTGGTAACCAGG-3'

ClinVar aggregate classification (germline): Conflicting classifications of pathogenicity. Review status: criteria provided, conflicting classifications (1 of 4 stars). 2 submissions from 2 submitters: Likely pathogenic (1); Uncertain significance (1). Last evaluated 2026-01-28.

Conditions:
Junctional epidermolysis bullosa. Identifiers: Orphanet 305, MedGen C0079301, MONDO:0017612.

Submissions (2):

Myriad Genetics, Inc.
Classification: Uncertain significance for Junctional epidermolysis bullosa. Last evaluated: 2026-01-28. Review status: criteria provided, single submitter. Criteria: Myriad Autosomal Dominant, Autosomal Recessive and X-Linked Classification Criteria (2023). Collection method: clinical testing. Allele origin: unknown.
Comment: NM_005562.2(LAMC2):c.2602-1G>A is a variant in a canonical splice site classified as a variant of uncertain significance in the context of junctional epidermolysis bullosa, LAMC2-related. c.2602-1G>A has not been observed in cases with relevant disease. Relevant functional assessments of this variant are not available in the literature. c.2602-1G>A has not been observed in referenced population frequency databases. In summary, there is insufficient evidence to classify NM_005562.2(LAMC2):c.2602-1G>A as pathogenic or benign. Please note: this variant was assessed in the context of healthy population screening.

Labcorp Genetics (formerly Invitae), Labcorp
Classification: Likely pathogenic. Last evaluated: 2021-11-03. Review status: criteria provided, single submitter. Criteria: Invitae Variant Classification Sherloc (09022015). Collection method: clinical testing. Allele origin: germline.
Comment: This sequence change affects an acceptor splice site in intron 17 of the LAMC2 gene. It is expected to disrupt RNA splicing. Variants that disrupt the donor or acceptor splice site typically lead to a loss of protein function (PMID: 16199547), and loss-of-function variants in LAMC2 are known to be pathogenic (PMID: 11907499, 16473856). This variant is not present in population databases (gnomAD no frequency). This variant has not been reported in the literature in individuals affected with LAMC2-related conditions. Algorithms developed to predict the effect of sequence changes on RNA splicing suggest that this variant may disrupt the consensus splice site. In summary, the currently available evidence indicates that the variant is pathogenic, but additional data are needed to prove that conclusively. Therefore, this variant has been classified as Likely Pathogenic.

Literature cited by the submitters: PubMed 16199547 (cited by Labcorp Genetics (formerly Invitae), Labcorp); PubMed 11907499 (cited by Labcorp Genetics (formerly Invitae), Labcorp); PubMed 16473856 (cited by Labcorp Genetics (formerly Invitae), Labcorp).